The following is an entry in ClinVar:

ClinVar aggregate classification (germline): Pathogenic. Review status: criteria provided, multiple submitters, no conflicts (2 of 4 stars). 2 submissions from 2 submitters: Pathogenic (2). Last evaluated 2024-09-03.

Conditions:
Autosomal recessive osteopetrosis 1. Also called: TCIRG1-Related Osteopetrosis; ALBERS-SCHONBERG DISEASE, AUTOSOMAL RECESSIVE; TCIRG1-Related Autosomal Recessive Osteopetrosis. Identifiers: Orphanet 667, MedGen C1850127, MONDO:0009815, OMIM 259700.

Submissions (2):

Myriad Genetics, Inc.
Classification: Pathogenic for Autosomal recessive osteopetrosis 1. Last evaluated: 2024-09-03. Review status: criteria provided, single submitter. Criteria: Myriad Autosomal Dominant, Autosomal Recessive and X-Linked Classification Criteria (2023). Collection method: clinical testing. Allele origin: unknown.
Comment: NM_006019.3(TCIRG1):c.703dupA(I235Nfs*255) is expected to be pathogenic in the context of autosomal recessive osteopetrosis type 1. This variant is predicted to lead to an abnormal or absent protein product due to the creation of a premature termination codon in TCIRG1, a gene where loss-of-function variants are known to be pathogenic. Please note: this variant was assessed in the context of healthy population screening.

Eurofins Ntd Llc (ga)
Classification: Pathogenic. Last evaluated: 2016-10-06. Review status: criteria provided, single submitter. Criteria: EGL Classification Definitions 2015. Collection method: clinical testing. Allele origin: germline. Observed: 3 variant alleles, 3 heterozygotes.

NM_006019.4(TCIRG1):c.703dup (p.Ile235fs)

Gene: TCIRG1 (T cell immune regulator 1, ATPase H+ transporting V0 subunit a3; plus strand). Cytogenetic location: 11q13.2.
Variant type: Duplication.
Coding change: c.703dup on transcript NM_006019.4 (MANE Select); coding-DNA position 703, one base duplicated (A; older notation c.703dupA).
Protein change: p.Ile235fs; shifts the reading frame from isoleucine 235.
Molecular consequence: frameshift variant. On other transcripts: 5 prime UTR variant (1).
Genome position (GRCh38, 1-based): chr11:68,043,643, A duplicated. VCF-style (leftmost placement, unchanged base first): chr11-68043642-G-GA. GRCh37 (hg19) VCF-style: chr11-67811109-G-GA.
Other names: c.-208dup (NM_001351059.2); c.55dup, p.Ile19fs (NM_006053.4); short protein forms I19fs, I235fs.
Identifiers: ClinVar variation 497723 (VCV000497723.6), dbSNP rs1554995715, ClinGen allele CA658797690.